The following is an entry in ClinVar:

ClinVar aggregate classification (germline): Pathogenic (1 of 4 stars; one submission).

Conditions:
Usher syndrome type 3A (USH3A). Also called: USHER SYNDROME, TYPE IIIA. Identifiers: MedGen C5779850, MONDO:0010170, OMIM 276902.
Retinitis pigmentosa 61 (RP61). Identifiers: Orphanet 791, MedGen C3280041, MONDO:0013610, OMIM 614180.

Submission:

Juno Genomics, Hangzhou Juno Genomics, Inc
Classification: Pathogenic for Retinitis pigmentosa 61; Usher syndrome type 3A. Review status: criteria provided, single submitter. Criteria: ACMG Guidelines, 2015. Collection method: clinical testing. Allele origin: germline.
Comment: Absent from controls (or at extremely low frequency if recessive) in Genome Aggregation Database.;Null variant in a gene where loss of function (LOF) is a known mechanism of disease.;For recessive disorders, detected in trans with a pathogenic variant.;Patient's phenotype or family history is highly specific for a disease with a single genetic etiology.

NM_174878.3(CLRN1):c.240del (p.Arg82fs)

Gene: CLRN1 (clarin 1; minus strand). Cytogenetic location: 3q25.1.
Variant type: Deletion.
Coding change: c.240del on transcript NM_174878.3 (MANE Select); coding-DNA position 240, one base deleted (C; older notation c.240delC).
Protein change: p.Arg82fs; shifts the reading frame from arginine 82.
Molecular consequence: frameshift variant. On other transcripts: non-coding transcript variant (1).
Genome position (GRCh38, 1-based): chr3:150,972,469, G deleted on the plus strand (C on the coding strand, the reverse complement: CLRN1 is on the minus strand); the first of 3 consecutive G bases (chr3:150,972,469-150,972,471); deleting any one gives the same sequence. VCF-style (leftmost placement, unchanged base first): chr3-150972468-AG-A. GRCh37 (hg19) VCF-style: chr3-150690255-AG-A.
Other names: c.240del, p.Arg82fs (NM_001195794.1, NM_001256819.2); short protein forms R82fs.
Identifiers: ClinVar variation 5006568 (VCV005006568.2).
Genomic context (GRCh38, chr3:150,972,468, plus strand): 5'-AAGAGTCTGCCTAAAGCATTAAATAACTCAAATGCAATTGCTACTTACATGAGAACCGAA[AG>A]GGCCTTGCTCCCAACCCACACTGCCTCACACCCTCTCCGTGGAAAAGCCCGTACTGCATT-3'